The following is an entry in ClinVar:

ClinVar aggregate classification (germline): Uncertain significance (1 of 4 stars; one submission).

Conditions:
Idiopathic Pulmonary Fibrosis. Also called: Idiopathic fibrosing alveolitis, chronic form; idiopathic fibrosing alveolitis. Identifiers: Orphanet 2032, MedGen C1800706, MeSH D054990, MONDO:0800504.
Dyskeratosis congenita, autosomal dominant 2. Identifiers: MedGen C3151443, MONDO:0013521, OMIM 613989.

Submission:

Labcorp Genetics (formerly Invitae), Labcorp
Classification: Uncertain significance for Dyskeratosis congenita, autosomal dominant 2; Idiopathic Pulmonary Fibrosis. Last evaluated: 2023-02-07. Review status: criteria provided, single submitter. Criteria: Invitae Variant Classification Sherloc (09022015). Collection method: clinical testing. Allele origin: germline.
Comment: Advanced modeling of protein sequence and biophysical properties (such as structural, functional, and spatial information, amino acid conservation, physicochemical variation, residue mobility, and thermodynamic stability) performed at Invitae indicates that this missense variant is not expected to disrupt TERT protein function. This sequence change replaces histidine, which is basic and polar, with proline, which is neutral and non-polar, at codon 205 of the TERT protein (p.His205Pro). This variant is not present in population databases (gnomAD no frequency). This variant has not been reported in the literature in individuals affected with TERT-related conditions. In summary, the available evidence is currently insufficient to determine the role of this variant in disease. Therefore, it has been classified as a Variant of Uncertain Significance.

NM_198253.3(TERT):c.614A>C (p.His205Pro)

Gene: TERT (telomerase reverse transcriptase; minus strand). Cytogenetic location: 5p15.33.
Variant type: single nucleotide variant.
Coding change: c.614A>C on transcript NM_198253.3 (MANE Select); coding-DNA position 614, A replaced by C.
Protein change: p.His205Pro; replaces histidine 205 with proline.
Molecular consequence: missense variant. On other transcripts: non-coding transcript variant (2).
Genome position (GRCh38, 1-based): chr5:1,294,272, T>G on the plus strand (A>C on the coding strand, the complement: TERT is on the minus strand). VCF-style: chr5-1294272-T-G. GRCh37 (hg19) VCF-style: chr5-1294387-T-G.
Other names: c.614A>C, p.His205Pro (NM_001193376.3, NM_003219.1); short protein forms H205P.
Identifiers: ClinVar variation 2944006 (VCV002944006.3), dbSNP rs2478423505, ClinGen allele CA359057176.